The following is an entry in ClinVar:

ClinVar aggregate classification (germline): Pathogenic (1 of 4 stars; one submission).

Conditions:
Phenylketonuria (PKU). Also called: FOLLING DISEASE; OLIGOPHRENIA PHENYLPYRUVICA; Phenylketonurias; Phenylketonuria (PKU). Identifiers: Orphanet 716, MedGen C0031485, MONDO:0009861, OMIM 261600. Disease mechanism: loss of function.

Submission:

Myriad Genetics, Inc.
Classification: Pathogenic for Phenylketonuria. Last evaluated: 2026-06-20. Review status: criteria provided, single submitter. Criteria: Myriad Autosomal Dominant, Autosomal Recessive and X-Linked Classification Criteria (2023). Collection method: clinical testing. Allele origin: unknown.
Comment: NM_000277.1(PAH):c.648C>A(Y216*) is expected to be pathogenic in the context of phenylalanine hydroxylase deficiency. This variant is predicted to lead to an abnormal or absent protein product due to the creation of a premature termination codon in PAH, a gene where loss-of-function variants are known to be pathogenic. Please note: this variant was assessed in the context of healthy population screening.

NM_000277.3(PAH):c.648C>A (p.Tyr216Ter)

Gene: PAH (phenylalanine hydroxylase; minus strand). Cytogenetic location: 12q23.2.
Variant type: single nucleotide variant.
Coding change: c.648C>A on transcript NM_000277.3 (MANE Select); coding-DNA position 648, C replaced by A.
Protein change: p.Tyr216Ter; replaces tyrosine 216 with a stop codon.
Molecular consequence: nonsense.
Genome position (GRCh38, 1-based): chr12:102,855,194, G>T on the plus strand (C>A on the coding strand, the complement: PAH is on the minus strand). VCF-style: chr12-102855194-G-T. GRCh37 (hg19) VCF-style: chr12-103248972-G-T.
Other names: c.648C>A, p.Tyr216Ter (NM_001354304.2); short protein forms Y216*.
Identifiers: ClinVar variation 5016061 (VCV005016061.1).